The following is an entry in ClinVar:

ClinVar aggregate classification (germline): Pathogenic/Likely pathogenic. Review status: criteria provided, multiple submitters, no conflicts (2 of 4 stars). 5 submissions from 5 submitters: Pathogenic (3); Likely pathogenic (1). 1 of the submissions does not count toward it. Last evaluated 2025-08-12.

Conditions:
GATA3-related disorder. Also called: GATA3-related condition.
Hypoparathyroidism, deafness, renal disease syndrome (HDRS). Also called: HYPOPARATHYROIDISM, SENSORINEURAL DEAFNESS, AND RENAL DYSPLASIA SYNDROME. Identifiers: Orphanet 2237, MedGen C1840333, MONDO:0007797, OMIM 146255.

Submissions (5):

GeneDx
Classification: Pathogenic. Last evaluated: 2025-08-12. Review status: criteria provided, single submitter. Criteria: GeneDx Variant Classification Process June 2021. Collection method: clinical testing. Allele origin: germline.
Comment: Frameshift variant predicted to result in protein truncation or nonsense mediated decay in a gene for which loss of function is a known mechanism of disease; Not observed at significant frequency in large population cohorts (gnomAD); This variant is associated with the following publications: (PMID: 38940299, 19057839, 32573669, Dinoi2022[Abstract])

Fulgent Genetics
Classification: Likely pathogenic for Hypoparathyroidism, deafness, renal disease syndrome. Last evaluated: 2024-02-14. Review status: criteria provided, single submitter. Criteria: ACMG Guidelines, 2015. Collection method: clinical testing. Allele origin: germline.

Labcorp Genetics (formerly Invitae), Labcorp
Classification: Pathogenic. Last evaluated: 2022-09-22. Review status: criteria provided, single submitter. Criteria: Invitae Variant Classification Sherloc (09022015). Collection method: clinical testing. Allele origin: germline.
Comment: This premature translational stop signal has been observed in individual(s) with GATA3-related conditions (PMID: 19057839). This sequence change creates a premature translational stop signal (p.His145Profs*159) in the GATA3 gene. It is expected to result in an absent or disrupted protein product. Loss-of-function variants in GATA3 are known to be pathogenic (PMID: 14985365, 21242646). This variant is not present in population databases (gnomAD no frequency). This variant is also known as 432insG. ClinVar contains an entry for this variant (Variation ID: 870395). For these reasons, this variant has been classified as Pathogenic.

Victorian Clinical Genetics Services, Murdoch Childrens Research Institute
Classification: Pathogenic for Hypoparathyroidism, deafness, renal disease syndrome. Last evaluated: 2018-08-28. Review status: criteria provided, single submitter. Criteria: ACMG Guidelines, 2015. Collection method: clinical testing. Allele origin: maternal. Affected: yes. Observed: 2 variant alleles.
Comment: A heterozygous frameshift duplication variant, NM_001002295.1(GATA3):c.431dupG, has been identified in exon 3 of 6 of the GATA3 gene. This duplication is predicted to create a frameshift starting at amino acid position 145, introducing a stop codon 159 residues downstream (NP_001002295.1(GATA3): p.(His145Profs*159)). This variant is predicted to result in loss of protein function either through truncation (including the loss of 2 GATA zinc finger domains) or nonsense-mediated decay, which is a reported mechanism of pathogenicity for this gene. The variant is absent in population databases (gnomAD, dbSNP, 1000G). This variant has previously been reported in one patient with HDR syndrome (Saito T. et al. 2009). Additionally, other truncating variants have previously been reported as disease causing (ClinVar, Ali A. et al. (2007)). Based on the information available at the time of curation, this variant has been classified as PATHOGENIC.

PreventionGenetics, part of Exact Sciences
Classification: Pathogenic for GATA3-related condition. Last evaluated: 2023-10-30. Review status: no assertion criteria provided. Collection method: clinical testing. Allele origin: germline. Not counted in ClinVar's aggregate classification.
Comment: The GATA3 c.431dupG variant is predicted to result in a frameshift and premature protein termination (p.His145Profs*159). This variant has been reported in at least two individuals with hypoparathyroidism and/or deafness (Saito et al 2008. PubMed ID: 19057839; See Patient A5 in eTable 3 in Australian Genomics Health Alliance Acute Care Flagship. et al 2020. PubMed ID: 32573669). This variant has not been reported in a large population database, indicating this variant is rare. Frameshift variants in GATA3 are expected to be pathogenic. This variant is interpreted as pathogenic.

Literature cited by the submitters: PubMed 19057839 (cited by Labcorp Genetics (formerly Invitae), Labcorp); PubMed 14985365 (cited by Labcorp Genetics (formerly Invitae), Labcorp); PubMed 21242646 (cited by Labcorp Genetics (formerly Invitae), Labcorp).

NM_001002295.2(GATA3):c.431dup (p.His145fs)

Gene: GATA3 (GATA binding protein 3; plus strand). Cytogenetic location: 10p14.
Variant type: Duplication.
Coding change: c.431dup on transcript NM_001002295.2 (MANE Select); coding-DNA position 431, one base duplicated (G; older notation c.431dupG).
Protein change: p.His145fs; shifts the reading frame from histidine 145.
Molecular consequence: frameshift variant.
Genome position (GRCh38, 1-based): chr10:8,058,494, G duplicated; the last of 6 consecutive G bases (chr10:8,058,489-8,058,494); duplicating any one gives the same sequence. VCF-style (leftmost placement, unchanged base first): chr10-8058488-C-CG. GRCh37 (hg19) VCF-style: chr10-8100451-C-CG.
Other names: c.431dup, p.His145fs (NM_002051.3); c.431dup (NM_001002295.1); short protein forms H145fs.
Identifiers: ClinVar variation 870395 (VCV000870395.15), dbSNP rs1588377948, ClinGen allele CA916083124.